The following is an entry in ClinVar:

NM_002769.5(PRSS1):c.364C>G (p.Arg122Gly)

Genes: TRB (T cell receptor beta locus; plus strand), PRSS1 (serine protease 1; plus strand). Cytogenetic location: 7q34.
Variant type: single nucleotide variant.
Coding change: c.364C>G on transcript NM_002769.5 (MANE Select); coding-DNA position 364, C replaced by G.
Protein change: p.Arg122Gly; replaces arginine 122 with glycine.
Molecular consequence: missense variant.
Genome position (GRCh38, 1-based): chr7:142,751,937, C>G. VCF-style: chr7-142751937-C-G. GRCh37 (hg19) VCF-style: chr7-142459788-C-G.
Other names: short protein forms R122G.
Identifiers: ClinVar variation 440202 (VCV000440202.18), dbSNP rs111033568, ClinGen allele CA369608946.
Genomic context (GRCh38, chr7:142,751,937, plus strand): 5'-AAGACTCTGAACAATGACATCATGTTAATCAAGCTCTCCTCACGTGCAGTAATCAACGCC[C>G]GCGTGTCCACCATCTCTCTGCCCACCGCCCCTCCAGCCACTGGCACGAAGTGCCTCATCT-3'
Protein context (NP_002760.1, residues 112-132): KLSSRAVINA[Arg122Gly]VSTISLPTAP

ClinVar aggregate classification (germline): Uncertain significance. Review status: criteria provided, multiple submitters, no conflicts (2 of 4 stars). 3 submissions from 3 submitters: Uncertain significance (3). Last evaluated 2021-10-27.

Conditions:
Hereditary pancreatitis (PCTT). Also called: PRSS1-Related Hereditary Pancreatitis; Hereditary chronic pancreatitis. Identifiers: Orphanet 676, MedGen C0238339, MONDO:0008185, OMIM 167800.

Allele frequency attached by ClinVar (database versions not stated): TOPMed 0.00001; gnomAD 0.00003.

Submissions (3):

Labcorp Genetics (formerly Invitae), Labcorp
Classification: Uncertain significance for Hereditary pancreatitis. Last evaluated: 2021-10-27. Review status: criteria provided, single submitter. Criteria: Invitae Variant Classification Sherloc (09022015). Collection method: clinical testing. Allele origin: germline.
Comment: This variant has not been reported in the literature in individuals affected with PRSS1-related conditions. In summary, the available evidence is currently insufficient to determine the role of this variant in disease. Therefore, it has been classified as a Variant of Uncertain Significance. This variant disrupts the p.Arg122 amino acid residue in PRSS1. Other variant(s) that disrupt this residue have been determined to be pathogenic (PMID: 8841182, 11097832, 11748242, 19453252). This suggests that this residue is clinically significant, and that variants that disrupt this residue are likely to be disease-causing. Algorithms developed to predict the effect of missense changes on protein structure and function (SIFT, PolyPhen-2, Align-GVGD) all suggest that this variant is likely to be tolerated. ClinVar contains an entry for this variant (Variation ID: 440202). This variant is not present in population databases (gnomAD no frequency). This sequence change replaces arginine, a(n) basic and polar amino acid, with glycine, a(n) neutral and non-polar amino acid, at codon 122 of the PRSS1 protein (p.Arg122Gly).

Ambry Genetics
Classification: Uncertain significance for Hereditary pancreatitis. Last evaluated: 2021-07-12. Review status: criteria provided, single submitter. Criteria: Ambry Variant Classification Scheme 2023. Collection method: clinical testing. Allele origin: germline.
Comment: The p.R122G variant (also known as c.364C>G), located in coding exon 3 of the PRSS1 gene, results from a C to G substitution at nucleotide position 364. The arginine at codon 122 is replaced by glycine, an amino acid with dissimilar properties. This amino acid position is not well conserved in available vertebrate species. In addition, the in silico prediction for this alteration is inconclusive. Since supporting evidence is limited at this time, the clinical significance of this alteration remains unclear.

ARUP Laboratories, Molecular Genetics and Genomics, ARUP Laboratories
Classification: Uncertain significance for Hereditary pancreatitis. Last evaluated: 2020-11-10. Review status: criteria provided, single submitter. Criteria: ARUP Molecular Germline Variant Investigation Process 2021. Collection method: clinical testing. Allele origin: germline.
Comment: The PRSS1 c.364C>G; p.Arg122Gly variant (rs111033568), to our knowledge, is not reported in the medical literature but is reported in ClinVar (Variation ID: 440202). This variant is only observed on one allele in the Genome Aggregation Database, indicating it is not a common polymorphism. Additionally, other variants at this codon (c.365G>A; p.Arg122His, c.364C>T; p.Arg122Cys) have been reported in individuals with hereditary pancreatitis and are considered pathogenic (Chen 2009, Nemeth 2014). The arginine at codon 122 is moderately conserved, but computational analyses are uncertain whether this variant is neutral or deleterious (REVEL: 0.559). Given the lack of clinical and functional data, the clinical significance of the p.Arg122Gly variant is uncertain at this time. References: Chen JM and Ferec C. Chronic pancreatitis: genetics and pathogenesis. Annu Rev Genomics Hum Genet. 2009;10:63-87. Nemeth BC and Sahin-Toth M. Human cationic trypsinogen (PRSS1) variants and chronic pancreatitis. Am J Physiol Gastrointest Liver Physiol. 2014 Mar;306(6):G466-73.

Literature cited by the submitters: PubMed 8841182 (cited by Labcorp Genetics (formerly Invitae), Labcorp); PubMed 11097832 (cited by Labcorp Genetics (formerly Invitae), Labcorp); PubMed 11748242 (cited by Labcorp Genetics (formerly Invitae), Labcorp); PubMed 19453252 (cited by Labcorp Genetics (formerly Invitae), Labcorp).